The following is an entry in ClinVar:

NM_001382430.1(AKT1):c.634G>C (p.Ala212Pro)

Gene: AKT1 (AKT serine/threonine kinase 1; minus strand). Cytogenetic location: 14q32.33.
Variant type: single nucleotide variant.
Coding change: c.634G>C on transcript NM_001382430.1 (MANE Select); coding-DNA position 634, G replaced by C.
Protein change: p.Ala212Pro; replaces alanine 212 with proline.
Molecular consequence: missense variant.
Genome position (GRCh38, 1-based): chr14:104,773,980, C>G on the plus strand (G>C on the coding strand, the complement: AKT1 is on the minus strand). VCF-style: chr14-104773980-C-G. GRCh37 (hg19) VCF-style: chr14-105240317-C-G.
Other names: c.634G>C, p.Ala212Pro (NM_001014431.2, NM_001014432.2, NM_001382431.1 and 3 more transcripts); short protein forms A212P.
Identifiers: ClinVar variation 2614814 (VCV002614814.2), dbSNP rs2542133880, ClinGen allele CA391218977.

ClinVar aggregate classification (germline): Uncertain significance (1 of 4 stars; one submission).

Conditions:
Inborn genetic diseases. Identifiers: MedGen C0950123, MeSH D030342.

Submission:

Ambry Genetics
Classification: Uncertain significance for Inborn genetic diseases. Last evaluated: 2023-08-29. Review status: criteria provided, single submitter. Criteria: Ambry Variant Classification Scheme 2023. Collection method: clinical testing. Allele origin: germline.
Comment: The p.A212P variant (also known as c.634G>C) is located in coding exon 7 of the AKT1 gene. The alanine at codon 212 is replaced by proline, an amino acid with highly similar properties. This change occurs in the first base pair of coding exon 7. This amino acid position is conserved. In addition, this alteration is predicted to be tolerated by in silico analysis. Since supporting evidence is limited at this time, the clinical significance of this alteration remains unclear.